The following is an entry in ClinVar:

NM_052947.4(ALPK2):c.1265C>T (p.Pro422Leu)

Gene: ALPK2 (alpha kinase 2; minus strand). Cytogenetic location: 18q21.31.
Variant type: single nucleotide variant.
Coding change: c.1265C>T on transcript NM_052947.4 (MANE Select); coding-DNA position 1265, C replaced by T.
Protein change: p.Pro422Leu; replaces proline 422 with leucine.
Molecular consequence: missense variant.
Genome position (GRCh38, 1-based): chr18:58,579,511, G>A on the plus strand (C>T on the coding strand, the complement: ALPK2 is on the minus strand). VCF-style: chr18-58579511-G-A. GRCh37 (hg19) VCF-style: chr18-56246743-G-A.
Other names: short protein forms P422L.
Identifiers: ClinVar variation 3288699 (VCV003288699.1).
Genomic context (GRCh38, chr18:58,579,511, plus strand): 5'-GAAGACGTTCCATCCTGGTGAGGTCCCAAAATGAGAGTCATCCCTGTTTGTGGGGATGAG[G>A]GACCGTGCTTGGAGACTCTGCTGCTCCTCACCCCAACTTCTTGGGGTTGTGAGTGATGAC-3'
Protein context (NP_443179.3, residues 412-432): VRSSRVSKHG[Pro422Leu]SSPQTGMTLI

ClinVar aggregate classification (germline): Uncertain significance (1 of 4 stars; one submission).

gnomAD v4.1: 2 of 1,613,876 alleles (0.00012%); highest among the groups gnomAD compares: Non-Finnish European, 0.000085%; no homozygotes.

Submission:

Ambry Genetics
Classification: Uncertain significance. Last evaluated: 2024-05-17. Review status: criteria provided, single submitter. Criteria: Ambry Variant Classification Scheme 2023. Collection method: clinical testing. Allele origin: germline.
Comment: The p.P422L variant (also known as c.1265C>T), located in coding exon 3 of the ALPK2 gene, results from a C to T substitution at nucleotide position 1265. The proline at codon 422 is replaced by leucine, an amino acid with similar properties. This amino acid position is conserved. In addition, this alteration is predicted to be tolerated by in silico analysis. Based on the available evidence, the clinical significance of this variant remains unclear.